The following is an entry in ClinVar:

NM_006031.6(PCNT):c.7237C>T (p.Leu2413Phe)

Gene: PCNT (pericentrin; plus strand). Cytogenetic location: 21q22.3.
Variant type: single nucleotide variant.
Coding change: c.7237C>T on transcript NM_006031.6 (MANE Select); coding-DNA position 7237, C replaced by T.
Protein change: p.Leu2413Phe; replaces leucine 2413 with phenylalanine.
Molecular consequence: missense variant.
Genome position (GRCh38, 1-based): chr21:46,425,888, C>T. VCF-style: chr21-46425888-C-T. GRCh37 (hg19) VCF-style: chr21-47845802-C-T.
Other names: c.6883C>T, p.Leu2295Phe (NM_001315529.2); short protein forms L2413F, L2295F.
Identifiers: ClinVar variation 4999886 (VCV004999886.1).

ClinVar aggregate classification (germline): Uncertain significance (1 of 4 stars; one submission).

Conditions:
PCNT-related disorder. Also called: PCNT-related condition.

gnomAD v4.1: 3 of 1,613,918 alleles (0.00019%); highest among the groups gnomAD compares: Non-Finnish European, 0.00017%; no homozygotes.

Submission:

PreventionGenetics, part of Exact Sciences
Classification: Uncertain significance for PCNT-related condition. Last evaluated: 2025-07-22. Review status: criteria provided, single submitter. Criteria: ACMG Guidelines, 2015. Collection method: clinical testing. Allele origin: germline.
Comment: The PCNT c.7237C>T variant is predicted to result in the amino acid substitution p.Leu2413Phe. To our knowledge, this variant has not been reported in the literature or in a large population database (gnomAD), indicating this variant is rare. At this time, the clinical significance of this variant is uncertain due to the absence of conclusive functional and genetic evidence.